The following is an entry in ClinVar:

ClinVar aggregate classification (germline): Conflicting classifications of pathogenicity. Review status: criteria provided, conflicting classifications (1 of 4 stars). 9 submissions from 8 submitters: Uncertain significance (1); Benign (2); Likely benign (3). 3 of the submissions do not count toward it. Last evaluated 2024-11-27.

Conditions:
Cardiovascular phenotype. Identifiers: MedGen CN230736.
Generalized epilepsy with febrile seizures plus, type 1 (GEFSP1). Also called: GEFS+, TYPE 1. Identifiers: Orphanet 36387, MedGen C1858672, MONDO:0011416, OMIM 604233.
Brugada syndrome 5 (BRGDA5). Identifiers: Orphanet 130, Orphanet 871, MedGen C2748541, MONDO:0013015, OMIM 612838.

Allele frequency attached by ClinVar (database versions not stated): 1000 Genomes Project 0.00040; 1000 Genomes Project 30x 0.00047; ExAC 0.00057; gnomAD exomes 0.00065 and 0.00111; gnomAD 0.00086 and 0.00091; TOPMed 0.00087; ESP Exome Variant Server 0.00108.
gnomAD v4.1: 1,760 of 1,613,876 alleles (0.11%); highest among the groups gnomAD compares: Non-Finnish European, 0.13%; 3 homozygotes.

Submissions (9):

Blueprint Genetics
Classification: Likely benign. Last evaluated: 2024-11-27. Review status: criteria provided, single submitter. Criteria: ACMG Guidelines, 2015. Collection method: clinical testing. Allele origin: germline.

Illumina Laboratory Services, Illumina
Classification: Uncertain significance for Generalized epilepsy with febrile seizures plus, type 1. Last evaluated: 2018-01-13. Review status: criteria provided, single submitter. Criteria: ICSL Variant Classification Criteria 13 December 2019. Collection method: clinical testing. Allele origin: germline.

Illumina Laboratory Services, Illumina
Classification: Benign for Brugada syndrome 5. Last evaluated: 2018-01-13. Review status: criteria provided, single submitter. Criteria: ICSL Variant Classification Criteria 13 December 2019. Collection method: clinical testing. Allele origin: germline.
Comment: This variant was observed in the ICSL laboratory as part of a predisposition screen in an ostensibly healthy population. It had not been previously curated by ICSL or reported in the Human Gene Mutation Database (HGMD: prior to June 1st, 2018), and was therefore a candidate for classification through an automated scoring system. Utilizing variant allele frequency, disease prevalence and penetrance estimates, and inheritance mode, an automated score was calculated to assess if this variant is too frequent to cause the disease. Based on the score and internal cut-off values, a variant classified as benign is not then subjected to further curation. The score for this variant resulted in a classification of benign for this disease.

Ambry Genetics
Classification: Likely benign for Cardiovascular phenotype. Last evaluated: 2016-11-10. Review status: criteria provided, single submitter. Criteria: Ambry Variant Classification Scheme 2023. Collection method: clinical testing. Allele origin: germline.

GeneDx
Classification: Benign. Last evaluated: 2015-03-03. Review status: criteria provided, single submitter. Criteria: GeneDx Variant Classification Process June 2021. Collection method: clinical testing. Allele origin: germline. Affected: yes.

PreventionGenetics, part of Exact Sciences
Classification: Likely benign. Review status: criteria provided, single submitter. Criteria: ACMG Guidelines, 2015. Collection method: clinical testing. Allele origin: germline.

Clinical Genetics, Academic Medical Center
Classification: Benign. Review status: no assertion criteria provided. Collection method: clinical testing. Allele origin: germline. Affected: yes. Study: VKGL Data-share Consensus. Not counted in ClinVar's aggregate classification.

Genome Diagnostics Laboratory, University Medical Center Utrecht
Classification: Likely benign. Review status: no assertion criteria provided. Collection method: clinical testing. Allele origin: germline. Affected: yes. Study: VKGL Data-share Consensus. Not counted in ClinVar's aggregate classification.

Joint Genome Diagnostic Labs from Nijmegen and Maastricht, Radboudumc and MUMC+
Classification: Likely benign. Review status: no assertion criteria provided. Collection method: clinical testing. Allele origin: germline. Affected: yes. Study: VKGL Data-share Consensus. Not counted in ClinVar's aggregate classification.

NM_001037.5(SCN1B):c.5+7C>T

Gene: SCN1B (sodium voltage-gated channel beta subunit 1; plus strand). Cytogenetic location: 19q13.11.
Variant type: single nucleotide variant.
Coding change: c.5+7C>T on transcript NM_001037.5 (MANE Select); 7 bases into the intron after coding-DNA position 5, C replaced by T.
Molecular consequence: intron variant.
Genome position (GRCh38, 1-based): chr19:35,039,713, C>T. VCF-style: chr19-35039713-C-T. GRCh37 (hg19) VCF-style: chr19-35530617-C-T.
Other names: c.5+7C>T (NM_001321605.2).
Identifiers: ClinVar variation 257219 (VCV000257219.13), dbSNP rs28365106, ClinGen allele CA9372128.